The following is an entry in ClinVar:

ClinVar aggregate classification (germline): Uncertain significance (1 of 4 stars; one submission).

Allele frequency attached by ClinVar (database versions not stated): gnomAD exomes below 0.00001; TOPMed below 0.00001; gnomAD 0.00001.

Submission:

Labcorp Genetics (formerly Invitae), Labcorp
Classification: Uncertain significance. Last evaluated: 2023-07-14. Review status: criteria provided, single submitter. Criteria: Invitae Variant Classification Sherloc (09022015). Collection method: clinical testing. Allele origin: germline.
Comment: In summary, the available evidence is currently insufficient to determine the role of this variant in disease. Therefore, it has been classified as a Variant of Uncertain Significance. Algorithms developed to predict the effect of missense changes on protein structure and function output the following: SIFT: "Not Available"; PolyPhen-2: "Benign"; Align-GVGD: "Not Available". The asparagine amino acid residue is found in multiple mammalian species, which suggests that this missense change does not adversely affect protein function. ClinVar contains an entry for this variant (Variation ID: 1052854). This variant has not been reported in the literature in individuals affected with ARHGEF18-related conditions. This variant is not present in population databases (gnomAD no frequency). This sequence change replaces serine, which is neutral and polar, with asparagine, which is neutral and polar, at codon 733 of the ARHGEF18 protein (p.Ser733Asn).

NM_001367823.1(ARHGEF18):c.2762G>A (p.Ser921Asn)

Gene: ARHGEF18 (Rho/Rac guanine nucleotide exchange factor 18; plus strand). Cytogenetic location: 19p13.2.
Variant type: single nucleotide variant.
Coding change: c.2762G>A on transcript NM_001367823.1 (MANE Select); coding-DNA position 2762, G replaced by A.
Protein change: p.Ser921Asn; replaces serine 921 with asparagine.
Molecular consequence: missense variant.
Genome position (GRCh38, 1-based): chr19:7,463,944, G>A. VCF-style: chr19-7463944-G-A. GRCh37 (hg19) VCF-style: chr19-7528830-G-A.
Other names: c.2036G>A, p.Ser679Asn (NM_001130955.2); c.1724G>A, p.Ser575Asn (NM_001367824.1, NM_015318.4); short protein forms S575N, S679N, S921N.
Identifiers: ClinVar variation 1052854 (VCV001052854.9), dbSNP rs1186606509, ClinGen allele CA403082392.